The following is an entry in ClinVar:

ClinVar aggregate classification (germline): Uncertain significance (1 of 4 stars; one submission).

Conditions:
Autoimmune lymphoproliferative syndrome, type III caused by mutation in PRKCD. Identifiers: Orphanet 3261, Orphanet 664711, MedGen C3809928, MONDO:8000024, OMIM 615559.

Allele frequency attached by ClinVar (database versions not stated): 1000 Genomes Project 30x 0.00016; gnomAD 0.00006; TOPMed 0.00006; ExAC 0.00001; 1000 Genomes Project 0.00020.
gnomAD v4.1: 22 of 1,613,912 alleles (0.0014%); highest among the groups gnomAD compares: African/African-American, 0.029%; no homozygotes.

Submission:

Labcorp Genetics (formerly Invitae), Labcorp
Classification: Uncertain significance for Autoimmune lymphoproliferative syndrome, type III caused by mutation in PRKCD. Last evaluated: 2022-01-11. Review status: criteria provided, single submitter. Criteria: Invitae Variant Classification Sherloc (09022015). Collection method: clinical testing. Allele origin: germline.
Comment: This sequence change replaces leucine, which is neutral and non-polar, with valine, which is neutral and non-polar, at codon 368 of the PRKCD protein (p.Leu368Val). This variant is present in population databases (rs538452225, gnomAD 0.02%). This variant has not been reported in the literature in individuals affected with PRKCD-related conditions. Algorithms developed to predict the effect of missense changes on protein structure and function (SIFT, PolyPhen-2, Align-GVGD) all suggest that this variant is likely to be disruptive. Algorithms developed to predict the effect of sequence changes on RNA splicing suggest that this variant may create or strengthen a splice site. In summary, the available evidence is currently insufficient to determine the role of this variant in disease. Therefore, it has been classified as a Variant of Uncertain Significance.

NM_006254.4(PRKCD):c.1102C>G (p.Leu368Val)

Gene: PRKCD (protein kinase C delta; plus strand). Cytogenetic location: 3p21.1.
Variant type: single nucleotide variant.
Coding change: c.1102C>G on transcript NM_006254.4 (MANE Select); coding-DNA position 1102, C replaced by G.
Protein change: p.Leu368Val; replaces leucine 368 with valine.
Molecular consequence: missense variant.
Genome position (GRCh38, 1-based): chr3:53,186,182, C>G. VCF-style: chr3-53186182-C-G. GRCh37 (hg19) VCF-style: chr3-53220198-C-G.
Other names: c.1102C>G, p.Leu368Val (NM_001316327.2, NM_001354679.2, NM_001354680.2 and 1 more transcripts); c.1159C>G, p.Leu387Val (NM_001354676.2); c.1150C>G, p.Leu384Val (NM_001354678.2); short protein forms L384V, L387V, L368V.
Identifiers: ClinVar variation 2195699 (VCV002195699.3), dbSNP rs538452225, ClinGen allele CA2452099.